The following is an entry in ClinVar:

NM_206933.4(USH2A):c.1978G>A (p.Gly660Arg)

Gene: USH2A (usherin; minus strand). Cytogenetic location: 1q41.
Variant type: single nucleotide variant.
Coding change: c.1978G>A on transcript NM_206933.4 (MANE Select); coding-DNA position 1978, G replaced by A.
Protein change: p.Gly660Arg; replaces glycine 660 with arginine.
Molecular consequence: missense variant.
Genome position (GRCh38, 1-based): chr1:216,251,092, C>T on the plus strand (G>A on the coding strand, the complement: USH2A is on the minus strand). VCF-style: chr1-216251092-C-T. GRCh37 (hg19) VCF-style: chr1-216424434-C-T.
Other names: c.1978G>A, p.Gly660Arg (NM_007123.6); short protein forms G660R.
Identifiers: ClinVar variation 1435881 (VCV001435881.8), dbSNP rs2102552084, ClinGen allele CA344866823.

ClinVar aggregate classification (germline): Pathogenic (1 of 4 stars; one submission).

Submission:

Labcorp Genetics (formerly Invitae), Labcorp
Classification: Pathogenic. Last evaluated: 2023-03-23. Review status: criteria provided, single submitter. Criteria: Invitae Variant Classification Sherloc (09022015). Collection method: clinical testing. Allele origin: germline.
Comment: Advanced modeling of protein sequence and biophysical properties (such as structural, functional, and spatial information, amino acid conservation, physicochemical variation, residue mobility, and thermodynamic stability) performed at Invitae indicates that this missense variant is expected to disrupt USH2A protein function. ClinVar contains an entry for this variant (Variation ID: 1435881). This missense change has been observed in individuals with USH2A-related conditions (PMID: 24944099, 26927203; Invitae). This variant is not present in population databases (gnomAD no frequency). This sequence change replaces glycine, which is neutral and non-polar, with arginine, which is basic and polar, at codon 660 of the USH2A protein (p.Gly660Arg). For these reasons, this variant has been classified as Pathogenic.

Literature cited by the submitters: PubMed 24944099; PubMed 26927203.